The following is an entry in ClinVar:

ClinVar aggregate classification (germline): Uncertain significance. Review status: criteria provided, multiple submitters, no conflicts (2 of 4 stars). 2 submissions from 2 submitters: Uncertain significance (2). Last evaluated 2025-12-15.

Conditions:
Hereditary cancer-predisposing syndrome. Also called: Neoplastic Syndromes, Hereditary; Tumor predisposition; Hereditary Cancer Syndrome; Hereditary neoplastic syndrome. Identifiers: Orphanet 140162, MedGen C0027672, MeSH D009386, MONDO:0015356.
Multiple endocrine neoplasia, type 2 (MEN2). Identifiers: Orphanet 653, MedGen C4048306, MONDO:0019003. Disease mechanism: gain of function.

gnomAD v4.1: 2 of 1,507,194 alleles (0.00013%); highest among the groups gnomAD compares: African/African-American, 0.0014%; no homozygotes.

Submissions (2):

Ambry Genetics
Classification: Uncertain significance for Hereditary cancer-predisposing syndrome. Last evaluated: 2025-12-15. Review status: criteria provided, single submitter. Criteria: Ambry Variant Classification Scheme 2023. Collection method: clinical testing. Allele origin: germline.
Comment: The p.G7V variant (also known as c.20G>T), located in coding exon 1 of the RET gene, results from a G to T substitution at nucleotide position 20. The glycine at codon 7 is replaced by valine, an amino acid with dissimilar properties. This amino acid position is conserved. In addition, the in silico prediction for this alteration is inconclusive. Based on the available evidence, the clinical significance of this variant remains unclear.

Labcorp Genetics (formerly Invitae), Labcorp
Classification: Uncertain significance for Multiple endocrine neoplasia, type 2. Last evaluated: 2021-01-20. Review status: criteria provided, single submitter. Criteria: Invitae Variant Classification Sherloc (09022015). Collection method: clinical testing. Allele origin: germline.
Comment: In summary, the available evidence is currently insufficient to determine the role of this variant in disease. Therefore, it has been classified as a Variant of Uncertain Significance. Algorithms developed to predict the effect of missense changes on protein structure and function are either unavailable or do not agree on the potential impact of this missense change (SIFT: "Tolerated"; PolyPhen-2: "Probably Damaging"; Align-GVGD: "Class C0"). This variant has not been reported in the literature in individuals with RET-related conditions. The frequency data for this variant in the population databases is considered unreliable, as metrics indicate insufficient coverage at this position in the ExAC database. This sequence change replaces glycine with valine at codon 7 of the RET protein (p.Gly7Val). The glycine residue is weakly conserved and there is a moderate physicochemical difference between glycine and valine.

NM_020975.6(RET):c.20G>T (p.Gly7Val)

Genes: RET (ret proto-oncogene; plus strand), LOC106736614 (RET 5' regulatory region; plus strand). Cytogenetic location: 10q11.21.
Variant type: single nucleotide variant.
Coding change: c.20G>T on transcript NM_020975.6 (MANE Select); coding-DNA position 20, G replaced by T.
Protein change: p.Gly7Val; replaces glycine 7 with valine.
Molecular consequence: missense variant.
Genome position (GRCh38, 1-based): chr10:43,077,278, G>T. VCF-style: chr10-43077278-G-T. GRCh37 (hg19) VCF-style: chr10-43572726-G-T.
Other names: c.20G>T, p.Gly7Val (NM_000323.2, NM_001406743.1, NM_001406744.1 and 38 more transcripts); short protein forms G7V.
Identifiers: ClinVar variation 1406841 (VCV001406841.10), dbSNP rs1366681125, ClinGen allele CA376768035.